The following is an entry in ClinVar:

NC_000002.11:g.(?_203241529)_(203242283_?)del

Gene: BMPR2 (bone morphogenetic protein receptor type 2; plus strand). Cytogenetic location: 2q33.1.
Variant type: Deletion.
Identifiers: ClinVar variation 1071169 (VCV001071169.2).

ClinVar aggregate classification (germline): Pathogenic (1 of 4 stars; one submission).

Conditions:
Primary pulmonary hypertension. Also called: Idiopathic pulmonary hypertension. Identifiers: MedGen C0152171.

Submission:

Labcorp Genetics (formerly Invitae), Labcorp
Classification: Pathogenic for Primary pulmonary hypertension. Last evaluated: 2021-08-04. Review status: criteria provided, single submitter. Criteria: Invitae Variant Classification Sherloc (09022015). Collection method: clinical testing. Allele origin: germline.
Comment: This variant is a gross deletion of the genomic region encompassing exon(s) 1 of the BMPR2 gene, which includes the initiator codon. The 5' end of this event is unknown as it extends beyond the assayed region for this gene and therefore may encompass additional genes. The 3' boundary is likely confined to intron 1 of the BMPR2 gene. It is expected to result in an absent or disrupted protein product. Loss-of-function variants in BMPR2 are known to be pathogenic (PMID: 16429395). A similar copy number variant has been observed in individuals with pulmonary arterial hypertension (PMID: 11115378, 29743074). For these reasons, this variant has been classified as Pathogenic.

Literature cited by the submitters: PubMed 16429395; PubMed 11115378; PubMed 29743074.